The following is an entry in ClinVar:

NM_020297.4(ABCC9):c.2615A>G (p.Lys872Arg)

Gene: ABCC9 (ATP binding cassette subfamily C member 9; minus strand). Cytogenetic location: 12p12.1.
Variant type: single nucleotide variant.
Coding change: c.2615A>G on transcript NM_020297.4 (MANE Select); coding-DNA position 2615, A replaced by G.
Protein change: p.Lys872Arg; replaces lysine 872 with arginine.
Molecular consequence: missense variant.
Genome position (GRCh38, 1-based): chr12:21,852,396, T>C on the plus strand (A>G on the coding strand, the complement: ABCC9 is on the minus strand). VCF-style: chr12-21852396-T-C. GRCh37 (hg19) VCF-style: chr12-22005330-T-C.
Other names: c.2615A>G, p.Lys872Arg (NM_001377273.1, NM_005691.4); c.1748A>G, p.Lys583Arg (NM_001377274.1); short protein forms K872R, K583R.
Identifiers: ClinVar variation 1351700 (VCV001351700.6), dbSNP rs1213800071, ClinGen allele CA384124741.
Genomic context (GRCh38, chr12:21,852,396, plus strand): 5'-AAAATGAGCAAAATTCTCTTCTAAACTCTTACCCAGTCAGCATGCGTCAGATACTGTAAT[T>C]TGTGAGTCACAAGAACGAGTGTCCTTTTGTCATCTTGCAGGAATTTCAAAATCCCCTCCT-3'
Protein context (NP_064693.2, residues 862-882): DKRTLVLVTH[Lys872Arg]LQYLTHADWI

ClinVar aggregate classification (germline): Uncertain significance (1 of 4 stars; one submission).

Conditions:
Dilated cardiomyopathy 1O (CMD1O). Also called: CARDIOMYOPATHY, DILATED, WITH VENTRICULAR TACHYCARDIA. Identifiers: Orphanet 154, MedGen C1837839, MONDO:0012062, OMIM 608569.

Submission:

Labcorp Genetics (formerly Invitae), Labcorp
Classification: Uncertain significance for Dilated cardiomyopathy 1O. Last evaluated: 2021-11-14. Review status: criteria provided, single submitter. Criteria: Invitae Variant Classification Sherloc (09022015). Collection method: clinical testing. Allele origin: germline.
Comment: Algorithms developed to predict the effect of sequence changes on RNA splicing suggest that this variant may create or strengthen a splice site. Algorithms developed to predict the effect of missense changes on protein structure and function (SIFT, PolyPhen-2, Align-GVGD) all suggest that this variant is likely to be tolerated. This variant has not been reported in the literature in individuals affected with ABCC9-related conditions. This variant is not present in population databases (gnomAD no frequency). This sequence change replaces lysine, which is basic and polar, with arginine, which is basic and polar, at codon 872 of the ABCC9 protein (p.Lys872Arg). In summary, the available evidence is currently insufficient to determine the role of this variant in disease. Therefore, it has been classified as a Variant of Uncertain Significance.